The following is an entry in ClinVar:

ClinVar aggregate classification (germline): Uncertain significance (1 of 4 stars; one submission).

Conditions:
COG5-related disorder. Also called: COG5-related condition.

Allele frequency attached by ClinVar (database versions not stated): TOPMed below 0.00001; ExAC 0.00001.
gnomAD v4.1: 5 of 1,610,342 alleles (0.00031%); highest among the groups gnomAD compares: African/African-American, 0.0013%; no homozygotes.

Submission:

PreventionGenetics, part of Exact Sciences
Classification: Uncertain significance for COG5-related condition. Last evaluated: 2023-08-24. Review status: criteria provided, single submitter. Criteria: ACMG Guidelines, 2015. Collection method: clinical testing. Allele origin: germline.
Comment: The COG5 c.589A>T variant is predicted to result in the amino acid substitution p.Ser197Cys. To our knowledge, this variant has not been reported in the literature. This variant is reported in 0.00090% of alleles in individuals of European (Non-Finnish) descent in gnomAD. At this time, the clinical significance of this variant is uncertain due to the absence of conclusive functional and genetic evidence.

NM_006348.5(COG5):c.496A>T (p.Ser166Cys)

Gene: COG5 (component of oligomeric golgi complex 5; minus strand). Cytogenetic location: 7q22.3.
Variant type: single nucleotide variant.
Coding change: c.496A>T on transcript NM_006348.5 (MANE Select); coding-DNA position 496, A replaced by T.
Protein change: p.Ser166Cys; replaces serine 166 with cysteine.
Molecular consequence: missense variant. On other transcripts: intron variant (1).
Genome position (GRCh38, 1-based): chr7:107,527,279, T>A on the plus strand (A>T on the coding strand, the complement: COG5 is on the minus strand). VCF-style: chr7-107527279-T-A. GRCh37 (hg19) VCF-style: chr7-107167724-T-A.
Other names: c.496A>T, p.Ser166Cys (NM_001161520.2, NM_001379511.1, NM_001379512.1 and 4 more transcripts); c.234+30697A>T (NM_001379516.1); short protein forms S166C.
Identifiers: ClinVar variation 2630832 (VCV002630832.1), dbSNP rs187988437, ClinGen allele CA4431363.
Genomic context (GRCh38, chr7:107,527,279, plus strand): 5'-AAAAAAAAAAAAACTTACCAAGTTCATTGAGACTCTGAGCAGCTTTTGTTATCTCTCTAC[T>A]TCCCCCTTGCAGTTGTCCTTGGAGTCTCTTACTGAGATTCAAGATACGAATAATCCTCCG-3'
Protein context (NP_006339.4, residues 156-176): KRLQGQLQGG[Ser166Cys]REITKAAQSL